The following is an entry in ClinVar:

NM_170601.5(SIAE):c.1455G>A (p.Trp485Ter)

Gene: SIAE (sialic acid acetylesterase; minus strand). Cytogenetic location: 11q24.2.
Variant type: single nucleotide variant.
Coding change: c.1455G>A on transcript NM_170601.5 (MANE Select); coding-DNA position 1455, G replaced by A.
Protein change: p.Trp485Ter; replaces tryptophan 485 with a stop codon.
Molecular consequence: nonsense.
Genome position (GRCh38, 1-based): chr11:124,637,068, C>T on the plus strand (G>A on the coding strand, the complement: SIAE is on the minus strand). VCF-style: chr11-124637068-C-T. GRCh37 (hg19) VCF-style: chr11-124506964-C-T.
Other names: c.1350G>A, p.Trp450Ter (NM_001199922.2); short protein forms W485*, W450*.
Identifiers: ClinVar variation 2076791 (VCV002076791.4), dbSNP rs769411422, ClinGen allele CA6341168.

ClinVar aggregate classification (germline): Uncertain significance (1 of 4 stars; one submission).

Allele frequency attached by ClinVar (database versions not stated): gnomAD exomes below 0.00001; ExAC 0.00001; TOPMed 0.00001.
gnomAD v4.1: 7 of 1,614,112 alleles (0.00043%); highest among the groups gnomAD compares: Admixed American, 0.0067%; no homozygotes.

Submission:

Labcorp Genetics (formerly Invitae), Labcorp
Classification: Uncertain significance. Last evaluated: 2022-01-07. Review status: criteria provided, single submitter. Criteria: Invitae Variant Classification Sherloc (09022015). Collection method: clinical testing. Allele origin: germline.
Comment: This sequence change creates a premature translational stop signal (p.Trp485*) in the SIAE gene. While this is not anticipated to result in nonsense mediated decay, it is expected to disrupt the last 39 amino acid(s) of the SIAE protein. In summary, the available evidence is currently insufficient to determine the role of this variant in disease. Therefore, it has been classified as a Variant of Uncertain Significance. Experimental studies and prediction algorithms are not available or were not evaluated, and the functional significance of this variant is currently unknown. This variant has not been reported in the literature in individuals affected with SIAE-related conditions. This variant is present in population databases (rs769411422, gnomAD 0.01%).